The following is an entry in ClinVar:

NM_000484.4(APP):c.1970G>C (p.Gly657Ala)

Gene: APP (amyloid beta precursor protein; minus strand). Cytogenetic location: 21q21.3.
Variant type: single nucleotide variant.
Coding change: c.1970G>C on transcript NM_000484.4 (MANE Select); coding-DNA position 1970, G replaced by C.
Protein change: p.Gly657Ala; replaces glycine 657 with alanine.
Molecular consequence: missense variant.
Genome position (GRCh38, 1-based): chr21:25,897,667, C>G on the plus strand (G>C on the coding strand, the complement: APP is on the minus strand). VCF-style: chr21-25897667-C-G. GRCh37 (hg19) VCF-style: chr21-27269979-C-G.
Other names: c.1898G>C, p.Gly633Ala (NM_001136016.3); c.1577G>C, p.Gly526Ala (NM_001136129.3); c.1802G>C, p.Gly601Ala (NM_001136130.3, NM_001385253.1); c.1640G>C, p.Gly547Ala (NM_001136131.3); c.1916G>C, p.Gly639Ala (NM_001204301.2); c.1859G>C, p.Gly620Ala (NM_001204302.2); c.1691G>C, p.Gly564Ala (NM_001204303.2); c.1913G>C, p.Gly638Ala (NM_201413.3); and 1 more; short protein forms G526A, G657A, G601A, G620A, G638A, G547A, G639A, G564A.
Identifiers: ClinVar variation 4754963 (VCV004754963.1).

ClinVar aggregate classification (germline): Uncertain significance (1 of 4 stars; one submission).

Conditions:
Alzheimer disease. Also called: Presenile and senile dementia; Alzheimer's disease. Identifiers: Orphanet 1020, MedGen C0002395, MeSH D000544, MONDO:0004975, HP:0002511.

gnomAD v4.1: 1 of 1,611,590 alleles (0.000062%); highest among the groups gnomAD compares: Non-Finnish European, 0.000085%; no homozygotes.

Submission:

Labcorp Genetics (formerly Invitae), Labcorp
Classification: Uncertain significance for Alzheimer disease. Last evaluated: 2025-11-28. Review status: criteria provided, single submitter. Criteria: Invitae Variant Classification Sherloc (09022015). Collection method: clinical testing. Allele origin: germline.
Comment: This sequence change replaces glycine, which is neutral and non-polar, with alanine, which is neutral and non-polar, at codon 657 of the APP protein (p.Gly657Ala). This variant is not present in population databases (gnomAD no frequency). This variant has not been reported in the literature in individuals affected with APP-related conditions. Invitae Evidence Modeling of protein sequence and biophysical properties (such as structural, functional, and spatial information, amino acid conservation, physicochemical variation, residue mobility, and thermodynamic stability) indicates that this missense variant is not expected to disrupt APP protein function with a negative predictive value of 95%. In summary, the available evidence is currently insufficient to determine the role of this variant in disease. Therefore, it has been classified as a Variant of Uncertain Significance.